The following is an entry in ClinVar:

ClinVar aggregate classification (germline): Pathogenic (1 of 4 stars; one submission).

Conditions:
Primary ciliary dyskinesia 3. Identifiers: Orphanet 244, MedGen C1837618, MONDO:0012085, OMIM 608644.

Submission:

Myriad Genetics, Inc.
Classification: Pathogenic for Primary ciliary dyskinesia 3. Last evaluated: 2025-05-03. Review status: criteria provided, single submitter. Criteria: Myriad Autosomal Dominant, Autosomal Recessive and X-Linked Classification Criteria (2023). Collection method: clinical testing. Allele origin: unknown.
Comment: NM_001369.2(DNAH5):c.8245dupT(Y2749Lfs*32) is expected to be pathogenic in the context of primary ciliary dyskinesia, DNAH5-related. This variant is predicted to lead to an abnormal or absent protein product due to the creation of a premature termination codon in DNAH5, a gene where loss-of-function variants are known to be pathogenic. Please note: this variant was assessed in the context of healthy population screening.

NM_001369.3(DNAH5):c.8245dup (p.Tyr2749fs)

Gene: DNAH5 (dynein axonemal heavy chain 5; minus strand). Cytogenetic location: 5p15.2.
Variant type: Duplication.
Coding change: c.8245dup on transcript NM_001369.3 (MANE Select); coding-DNA position 8245, one base duplicated (T; older notation c.8245dupT).
Protein change: p.Tyr2749fs; shifts the reading frame from tyrosine 2749.
Molecular consequence: frameshift variant.
Genome position (GRCh38, 1-based): chr5:13,792,197, A duplicated on the plus strand (T on the coding strand, the reverse complement: DNAH5 is on the minus strand). VCF-style (leftmost placement, unchanged base first): chr5-13792196-T-TA. GRCh37 (hg19) VCF-style: chr5-13792305-T-TA.
Other names: short protein forms Y2749fs.
Identifiers: ClinVar variation 5014374 (VCV005014374.1).
Genomic context (GRCh38, chr5:13,792,196, plus strand): 5'-AGAGGCACCAATTTTGTCACAGAATCTCTCACTTCTTCTGAGAAACCCCTCTGAGTACAG[T>TA]AGTGGCCTACCCCAATCACACCTGAAAAGGGGGAAATTACAGCATTTTGATTAGCCATTC-3'